The following is an entry in ClinVar:

NM_000322.5(PRPH2):c.353GCT[1] (p.Cys119del)

Gene: PRPH2 (peripherin 2; minus strand). Cytogenetic location: 6p21.1.
Variant type: Microsatellite.
Coding change: c.353GCT[1] on transcript NM_000322.5 (MANE Select); one copy of the 3-base unit GCT starting at c.353; the reference has two copies in a row; one copy, 3 bases deleted.
Protein change: p.Cys119del; deletes cysteine 119.
Molecular consequence: inframe deletion.
Genome position (GRCh38, 1-based): chr6:42,721,977-42,721,979, AGC deleted on the plus strand (GCT on the coding strand, the reverse complement: PRPH2 is on the minus strand); deleting any 3 consecutive bases within chr6:42,721,977-42,721,984 gives the same sequence; the position shown is the placement nearest the transcript's 3' end. VCF-style (leftmost placement, unchanged base first): chr6-42721976-AAGC-A. GRCh37 (hg19) VCF-style: chr6-42689714-AAGC-A.
Other names: C118del; short protein forms C119del.
Identifiers: ClinVar variation 13162 (VCV000013162.3), dbSNP rs61755777, ClinGen allele CA226222.

ClinVar aggregate classification (germline): Pathogenic. Review status: criteria provided, single submitter (1 of 4 stars). 4 submissions from 4 submitters: Pathogenic (1). 3 of the submissions do not count toward it. Last evaluated 2024-05-23.

Conditions:
PRPH2-related disorder. Also called: PRPH2-related disorders; PRPH2-related condition. Identifiers: MedGen CN239395.
Retinitis pigmentosa 7 (RP7). Identifiers: Orphanet 791, MedGen C1842475, MONDO:0011974, OMIM 608133.

Submissions (4):

Blueprint Genetics
Classification: Pathogenic for PRPH2-related disorders. Last evaluated: 2024-05-23. Review status: criteria provided, single submitter. Criteria: ACMG Guidelines, 2015. Collection method: clinical testing. Allele origin: germline. Affected: yes. Observed: 5 variant alleles.

Leiden Open Variation Database
Classification: Likely pathogenic. Last evaluated: 2021-04-06. Review status: no assertion criteria provided. Collection method: curation. Allele origin: germline. Affected: yes. Not counted in ClinVar's aggregate classification.
Comment: Curator: Global Variome, with Curator vacancy. Submitter to LOVD: Manon Peeters.

OMIM
Classification: Pathogenic for RETINITIS PIGMENTOSA 7. Last evaluated: 1993-03-01. Review status: no assertion criteria provided. Collection method: literature only. Allele origin: germline. Not counted in ClinVar's aggregate classification.

Retina International
No classification provided. Review status: no classification provided. Collection method: not provided. Allele origin: not provided. Not counted in ClinVar's aggregate classification.

Literature cited by the submitters: PubMed 1749427 (cited by Leiden Open Variation Database and OMIM); PubMed 7848979 (cited by Leiden Open Variation Database); PubMed 8485576 (cited by Leiden Open Variation Database and OMIM).